The following is an entry in ClinVar:

ClinVar aggregate classification (germline): Likely pathogenic (1 of 4 stars; one submission).

Conditions:
Polyglucosan body myopathy type 1 (PGBM1). Also called: POLYGLUCOSAN BODY MYOPATHY WITHOUT IMMUNODEFICIENCY; Polyglucosan body myopathy 1 with or without immunodeficiency. Identifiers: Orphanet 329173, Orphanet 397937, MedGen C4014605, MONDO:0014389, OMIM 615895.

Submission:

Labcorp Genetics (formerly Invitae), Labcorp
Classification: Likely pathogenic for Polyglucosan body myopathy type 1. Last evaluated: 2025-01-29. Review status: criteria provided, single submitter. Criteria: Invitae Variant Classification Sherloc (09022015). Collection method: clinical testing. Allele origin: germline.
Comment: This sequence change affects a donor splice site in intron 9 of the RBCK1 gene. It is expected to disrupt RNA splicing. Variants that disrupt the donor or acceptor splice site typically lead to a loss of protein function (PMID: 16199547), and loss-of-function variants in RBCK1 are known to be pathogenic (PMID: 2379848, 23104095, 23889995). This variant is not present in population databases (gnomAD no frequency). This variant has not been reported in the literature in individuals affected with RBCK1-related conditions. Algorithms developed to predict the effect of sequence changes on RNA splicing suggest that this variant may disrupt the consensus splice site. In summary, the currently available evidence indicates that the variant is pathogenic, but additional data are needed to prove that conclusively. Therefore, this variant has been classified as Likely Pathogenic.

Literature cited by the submitters: PubMed 16199547; PubMed 2379848; PubMed 23104095; PubMed 23889995.

NM_031229.4(RBCK1):c.1209+1G>C

Gene: RBCK1 (RANBP2-type and C3HC4-type zinc finger containing 1; plus strand). Cytogenetic location: 20p13.
Variant type: single nucleotide variant.
Coding change: c.1209+1G>C on transcript NM_031229.4 (MANE Select); the canonical splice donor site of the intron after coding-DNA position 1209, G replaced by C.
Molecular consequence: splice donor variant.
Genome position (GRCh38, 1-based): chr20:427,493, G>C. VCF-style: chr20-427493-G-C. GRCh37 (hg19) VCF-style: chr20-408137-G-C.
Other names: c.1260+1G>C (NM_001410770.1); c.699+1G>C (NM_001323956.2, NM_001323958.2); c.1083+1G>C (NM_006462.6).
Identifiers: ClinVar variation 4712030 (VCV004712030.1).
Genomic context (GRCh38, chr20:427,493, plus strand): 5'-GATGATGTCAATGAGTTCACCTGCCCTGTGTGTTTCCACGTCAACTGCCTGCTCTGCAAG[G>C]TGGGGCCTGCAGGGACTCCCCCCACCTAGTCACTGTCATCTTGCCTGGAGCTCACCACAC-3'